The following is an entry in ClinVar:

NM_170731.5(BDNF):c.3+6T>A

Gene: BDNF (brain derived neurotrophic factor; minus strand). Cytogenetic location: 11p14.1.
Variant type: single nucleotide variant.
Coding change: c.3+6T>A on transcript NM_170731.5; 6 bases into the intron after coding-DNA position 3, T replaced by A.
Molecular consequence: intron variant.
Genome position (GRCh38, 1-based): chr11:27,721,406, A>T on the plus strand (T>A on the coding strand, the complement: BDNF is on the minus strand). VCF-style: chr11-27721406-A-T. GRCh37 (hg19) VCF-style: chr11-27742953-A-T.
Identifiers: ClinVar variation 4986255 (VCV004986255.1).

ClinVar aggregate classification (germline): Uncertain significance (1 of 4 stars; one submission).

Conditions:
BDNF-related disorder. Also called: BDNF-related condition.

gnomAD v4.1: 4 of 1,614,084 alleles (0.00025%); highest among the groups gnomAD compares: Non-Finnish European, 0.00034%; no homozygotes.

Submission:

PreventionGenetics, part of Exact Sciences
Classification: Uncertain significance for BDNF-related condition. Last evaluated: 2024-12-13. Review status: criteria provided, single submitter. Criteria: ACMG Guidelines, 2015. Collection method: clinical testing. Allele origin: germline.
Comment: The BDNF c.3+6T>A variant is predicted to interfere with splicing. To our knowledge, this variant has not been reported in the literature. This variant is reported in 0.00088% of alleles in individuals of European (Non-Finnish) descent in gnomAD. This variant is predicted to alter splicing based on available splicing prediction programs (SpliceAI, Jaganathan et al. 2019. PubMed ID: 30661751). However, the use of computer prediction programs is not equivalent to functional evidence. In other transcripts this variant is pre-coding and is less likely to be relevant to disease. Although we suspect that this variant may be benign, at this time, the clinical significance of this variant is uncertain due to the absence of conclusive functional and genetic evidence.